The following is an entry in ClinVar:

NM_003482.4(KMT2D):c.791A>G (p.Lys264Arg)

Gene: KMT2D (lysine methyltransferase 2D; minus strand). Cytogenetic location: 12q13.12.
Variant type: single nucleotide variant.
Coding change: c.791A>G on transcript NM_003482.4 (MANE Select); coding-DNA position 791, A replaced by G.
Protein change: p.Lys264Arg; replaces lysine 264 with arginine.
Molecular consequence: missense variant.
Genome position (GRCh38, 1-based): chr12:49,053,524, T>C on the plus strand (A>G on the coding strand, the complement: KMT2D is on the minus strand). VCF-style: chr12-49053524-T-C. GRCh37 (hg19) VCF-style: chr12-49447307-T-C.
Other names: short protein forms K264R.
Identifiers: ClinVar variation 4989216 (VCV004989216.1).
Genomic context (GRCh38, chr12:49,053,524, plus strand): 5'-TTCCATTCCTACCTGCAGGCTTGGCACACTTTGCATTCAGGGCACTGCCAGCCAGCACGT[T>C]TGCGGGCAGTCAGAGCAGTGTCCAGGCAGGCCCCGTGATAGTGATGCCCACAGCTGGTAC-3'
Protein context (NP_003473.3, residues 254-274): ACLDTALTAR[Lys264Arg]RAGWQCPECK

ClinVar aggregate classification (germline): Uncertain significance (1 of 4 stars; one submission).

Conditions:
KMT2D-related disorder. Also called: KMT2D-Related Disorders.

Submission:

PreventionGenetics, part of Exact Sciences
Classification: Uncertain significance for KMT2D-related condition. Last evaluated: 2024-11-22. Review status: criteria provided, single submitter. Criteria: ACMG Guidelines, 2015. Collection method: clinical testing. Allele origin: germline.
Comment: The KMT2D c.791A>G variant is predicted to result in the amino acid substitution p.Lys264Arg. To our knowledge, this variant has not been reported in the literature or in a large population database (gnomAD), indicating this variant is rare. At this time, the clinical significance of this variant is uncertain due to the absence of conclusive functional and genetic evidence.